The following is an entry in ClinVar:

ClinVar aggregate classification (germline): Likely pathogenic. Review status: criteria provided, multiple submitters, no conflicts (2 of 4 stars). 2 submissions from 2 submitters: Likely pathogenic (2). Last evaluated 2026-08-06.

Conditions:
DSP-related disorder. Also called: DSP-related disorders; DSP-related condition.

Submissions (2):

PreventionGenetics, part of Exact Sciences
Classification: Likely pathogenic for DSP-related condition. Last evaluated: 2026-08-06. Review status: criteria provided, single submitter. Criteria: ACMG Guidelines, 2015. Collection method: clinical testing. Allele origin: germline.
Comment: The DSP c.2901dupA variant is predicted to result in a frameshift and premature protein termination (p.Tyr968Ilefs*38). To our knowledge, this variant has not been reported in the literature or in a large population database (gnomAD), indicating this variant is rare. Frameshift variants in DSP are expected to be pathogenic. This variant is interpreted as likely pathogenic.

GeneDx
Classification: Likely pathogenic. Last evaluated: 2018-09-13. Review status: criteria provided, single submitter. Criteria: GeneDx Variant Classification (06012015). Collection method: clinical testing. Allele origin: germline. Affected: yes.
Comment: Although the c.2901dupA likely pathogenic variant in the DSP gene has not been reported to our knowledge, this variant causes a shift in reading frame starting at codon tyrosine 968, changing it to an isoleucine, and creating a premature stop codon at position 38 of the new reading frame, denoted p.Tyr968IlefsX38. This likely pathogenic variant is expected to result in either an abnormal, truncated protein product or loss of protein from this allele through nonsense-mediated mRNA decay. Other frameshift variants in the DSP gene have been reported in Human Gene Mutation Database in association with DSP-related disorders (Stenson et al., 2014), indicating that loss of function is a mechanism of disease for this gene. Furthermore, the c.2901dupA variant has not been observed in large population cohorts (Lek et al., 2016). In summary, c.2901dupA in the DSP gene is interpreted as a likely pathogenic variant.

NM_004415.4(DSP):c.2901dup (p.Tyr968fs)

Gene: DSP (desmoplakin; plus strand). Cytogenetic location: 6p24.3.
Variant type: Duplication.
Coding change: c.2901dup on transcript NM_004415.4 (MANE Select); coding-DNA position 2901, one base duplicated (A; older notation c.2901dupA).
Protein change: p.Tyr968fs; shifts the reading frame from tyrosine 968.
Molecular consequence: frameshift variant.
Genome position (GRCh38, 1-based): chr6:7,577,802, A duplicated. VCF-style (leftmost placement, unchanged base first): chr6-7577801-C-CA. GRCh37 (hg19) VCF-style: chr6-7578034-C-CA.
Other names: c.2901dup, p.Tyr968fs (NM_001008844.3, NM_001319034.2); c.2901dupA (NM_004415.3); short protein forms Y968fs.
Identifiers: ClinVar variation 817804 (VCV000817804.2), dbSNP rs1581813420, ClinGen allele CA915944148.